The following is an entry in ClinVar:

NM_001369.3(DNAH5):c.11313_11314insTGTCTCTTATACACAT (p.Gln3772fs)

Genes: DNAH5 (dynein axonemal heavy chain 5; minus strand), LOC107457585 (meiotic recombination hotspot J; plus strand). Cytogenetic location: 5p15.2.
Variant type: Insertion.
Coding change: c.11313_11314insTGTCTCTTATACACAT on transcript NM_001369.3 (MANE Select); coding-DNA positions 11313 to 11314, TGTCTCTTATACACAT inserted.
Protein change: p.Gln3772fs; shifts the reading frame from glutamine 3772.
Molecular consequence: frameshift variant.
Genome position: GRCh38 VCF-style: chr5-13737393-G-GATGTGTATAAGAGACA. GRCh37 (hg19) VCF-style: chr5-13737502-G-GATGTGTATAAGAGACA.
Other names: short protein forms Q3772fs.
Identifiers: ClinVar variation 5010837 (VCV005010837.1).

ClinVar aggregate classification (germline): Pathogenic (1 of 4 stars; one submission).

Conditions:
Primary ciliary dyskinesia 3. Identifiers: Orphanet 244, MedGen C1837618, MONDO:0012085, OMIM 608644.

Submission:

Myriad Genetics, Inc.
Classification: Pathogenic for Primary ciliary dyskinesia 3. Last evaluated: 2024-05-14. Review status: criteria provided, single submitter. Criteria: Myriad Autosomal Dominant, Autosomal Recessive and X-Linked Classification Criteria (2023). Collection method: clinical testing. Allele origin: unknown.
Comment: NM_001369.2(DNAH5):c.11313_11314ins16(Q3772Cfs*13) is expected to be pathogenic in the context of primary ciliary dyskinesia, DNAH5-related. This variant is predicted to lead to an abnormal or absent protein product due to the creation of a premature termination codon in DNAH5, a gene where loss-of-function variants are known to be pathogenic. Please note: this variant was assessed in the context of healthy population screening.